The following is an entry in ClinVar:

NM_005918.4(MDH2):c.862T>A (p.Phe288Ile)

Gene: MDH2 (malate dehydrogenase 2; plus strand). Cytogenetic location: 7q11.23.
Variant type: single nucleotide variant.
Coding change: c.862T>A on transcript NM_005918.4 (MANE Select); coding-DNA position 862, T replaced by A.
Protein change: p.Phe288Ile; replaces phenylalanine 288 with isoleucine.
Molecular consequence: missense variant.
Genome position (GRCh38, 1-based): chr7:76,064,930, T>A. VCF-style: chr7-76064930-T-A. GRCh37 (hg19) VCF-style: chr7-75694248-T-A.
Other names: c.736T>A, p.Phe246Ile (NM_001282403.2); c.541T>A, p.Phe181Ile (NM_001282404.2); short protein forms F181I, F246I, F288I.
Identifiers: ClinVar variation 3225217 (VCV003225217.1), dbSNP rs1554587653, ClinGen allele CA367768786.

ClinVar aggregate classification (germline): Uncertain significance (1 of 4 stars; one submission).

Conditions:
Inborn genetic diseases. Identifiers: MedGen C0950123, MeSH D030342.

Submission:

Ambry Genetics
Classification: Uncertain significance for Inborn genetic diseases. Last evaluated: 2024-02-20. Review status: criteria provided, single submitter. Criteria: Ambry Variant Classification Scheme 2023. Collection method: clinical testing. Allele origin: germline.
Comment: The p.F288I variant (also known as c.862T>A), located in coding exon 8 of the MDH2 gene, results from a T to A substitution at nucleotide position 862. The phenylalanine at codon 288 is replaced by isoleucine, an amino acid with highly similar properties. This amino acid position is conserved. In addition, the in silico prediction for this alteration is inconclusive. Based on the available evidence, the clinical significance of this alteration remains unclear.